The following is an entry in ClinVar:

NM_001386795.1(DTNA):c.1219G>T (p.Ala407Ser)

Gene: DTNA (dystrobrevin alpha; plus strand). Cytogenetic location: 18q12.1.
Variant type: single nucleotide variant.
Coding change: c.1219G>T on transcript NM_001386795.1 (MANE Select); coding-DNA position 1219, G replaced by T.
Protein change: p.Ala407Ser; replaces alanine 407 with serine.
Molecular consequence: missense variant. On other transcripts: intron variant (32).
Genome position (GRCh38, 1-based): chr18:34,838,137, G>T. VCF-style: chr18-34838137-G-T. GRCh37 (hg19) VCF-style: chr18-32418101-G-T.
Other names: c.1219G>T, p.Ala407Ser (NM_001386788.1); c.1138G>T, p.Ala380Ser (NM_001390.5, NM_001391.5); c.1129G>T, p.Ala377Ser (NM_032978.7); c.175G>T, p.Ala59Ser (NM_032980.4); c.1095-10159G>T (NM_032975.4, NM_001386761.1, NM_001386762.1 and 1 more transcripts); c.1175+8648G>T (NM_001386754.1, NM_001386755.1, NM_001386760.1 and 5 more transcripts); c.1086-10159G>T (NM_001386763.1, NM_001386764.1, NM_001386768.1 and 13 more transcripts); c.604-13694G>T (NM_001198945.2); and 4 more; short protein forms A377S, A380S, A89S, A59S, A407S.
Identifiers: ClinVar variation 222593 (VCV000222593.12), dbSNP rs760958673, ClinGen allele CA078001.
Genomic context (GRCh38, chr18:34,838,137, plus strand): 5'-CCCATCTTATTAACTAGCTCTCCTCCCAAGGACAGTGAAGTAGAGCAGAACAAACTGCTG[G>T]CTAGGGCTGCTCCAGCTTTTCTGAAGGGCAAAGGGTAAGTTACAGCCAGAGTGTACTGGA-3'
Protein context (NP_001373724.1, residues 397-417): DSEVEQNKLL[Ala407Ser]RAAPAFLKGK

ClinVar aggregate classification (germline): Uncertain significance. Review status: criteria provided, multiple submitters, no conflicts (2 of 4 stars). 3 submissions from 3 submitters: Uncertain significance (3). Last evaluated 2023-11-07.

Conditions:
Left ventricular noncompaction 1 (LVNC1). Also called: LEFT VENTRICULAR NONCOMPACTION 1 WITH OR WITHOUT CONGENITAL HEART DEFECTS. Identifiers: Orphanet 54260, MedGen C1858725, MONDO:0011403, OMIM 604169.

Allele frequency attached by ClinVar (database versions not stated): TOPMed 0.00001; gnomAD exomes 0.00002; ExAC 0.00003; gnomAD 0.00006.
gnomAD v4.1: 43 of 1,613,738 alleles (0.0027%); highest among the groups gnomAD compares: Non-Finnish European, 0.0031%; no homozygotes.

Submissions (3):

Ambry Genetics
Classification: Uncertain significance. Last evaluated: 2023-11-07. Review status: criteria provided, single submitter. Criteria: Ambry Variant Classification Scheme 2023. Collection method: clinical testing. Allele origin: germline.

Blueprint Genetics
Classification: Uncertain significance. Last evaluated: 2021-08-25. Review status: criteria provided, single submitter. Criteria: ACMG Guidelines, 2015. Collection method: clinical testing. Allele origin: germline.

Labcorp Genetics (formerly Invitae), Labcorp
Classification: Uncertain significance for Left ventricular noncompaction 1. Last evaluated: 2020-01-24. Review status: criteria provided, single submitter. Criteria: Invitae Variant Classification Sherloc (09022015). Collection method: clinical testing. Allele origin: germline.
Comment: In summary, the available evidence is currently insufficient to determine the role of this variant in disease. Therefore, it has been classified as a Variant of Uncertain Significance. Algorithms developed to predict the effect of missense changes on protein structure and function (SIFT, PolyPhen-2, Align-GVGD) all suggest that this variant is likely to be tolerated, but these predictions have not been confirmed by published functional studies and their clinical significance is uncertain. This variant has not been reported in the literature in individuals with DTNA-related disease. ClinVar contains an entry for this variant (Variation ID: 222593). This variant is present in population databases (rs760958673, ExAC 0.006%). This sequence change replaces alanine with serine at codon 377 of the DTNA protein (p.Ala377Ser). The alanine residue is moderately conserved and there is a moderate physicochemical difference between alanine and serine.